The following is an entry in ClinVar:

ClinVar aggregate classification (germline): Pathogenic/Likely pathogenic. Review status: criteria provided, multiple submitters, no conflicts (2 of 4 stars). 8 submissions from 8 submitters: Pathogenic (2); Likely pathogenic (6). Last evaluated 2026-01-27.

Conditions:
Aicardi-Goutieres syndrome 5. Identifiers: Orphanet 51, MedGen C2749659, MONDO:0013059, OMIM 612952.
Chilblain lupus 2 (CHBL2). Identifiers: MedGen C3280721, MONDO:0013739, OMIM 614415.
Aicardi Goutieres syndrome (AGS). Also called: Encephalopathy, familial infantile, with calcification of basal ganglia and chronic cerebrospinal fluid lymphocytosis. Identifiers: Orphanet 51, MedGen C0393591, MONDO:0018866.
SAMHD1-related disorder. Also called: SAMHD1-related condition.

Allele frequency attached by ClinVar (database versions not stated): gnomAD 0.00004 and 0.00005; TOPMed 0.00005.
gnomAD v4.1: 119 of 1,613,818 alleles (0.0074%); highest among the groups gnomAD compares: Non-Finnish European, 0.0098%; no homozygotes.

Submissions (8):

Labcorp Genetics (formerly Invitae), Labcorp
Classification: Pathogenic for Aicardi-Goutieres syndrome 5. Last evaluated: 2026-01-27. Review status: criteria provided, single submitter. Criteria: Invitae Variant Classification Sherloc (09022015). Collection method: clinical testing. Allele origin: germline.
Comment: This sequence change replaces isoleucine, which is neutral and non-polar, with threonine, which is neutral and polar, at codon 448 of the SAMHD1 protein (p.Ile448Thr). This variant is present in population databases (rs774964432, gnomAD 0.002%). This missense change has been observed in individual(s) with Aicardi-Goutieres syndrome (PMID: 24183309, 27943079, 32371413; internal data). In at least one individual the data is consistent with being in trans (on the opposite chromosome) from a pathogenic variant. It has also been observed to segregate with disease in related individuals. ClinVar contains an entry for this variant (Variation ID: 546088). Invitae Evidence Modeling of protein sequence and biophysical properties (such as structural, functional, and spatial information, amino acid conservation, physicochemical variation, residue mobility, and thermodynamic stability) indicates that this missense variant is expected to disrupt SAMHD1 protein function with a positive predictive value of 95%. Experimental studies have shown that this missense change affects SAMHD1 function (PMID: 28229507). For these reasons, this variant has been classified as Pathogenic.

Natera, Inc.
Classification: Likely pathogenic for Aicardi-Goutieres syndrome. Last evaluated: 2025-11-04. Review status: criteria provided, single submitter. Criteria: Natera Variant Classification Schema (03/2026). Collection method: clinical testing. Allele origin: germline.
Comment: The c.1343T>C variant in SAMHD1 is a missense variant predicted to cause substitution of isoleucine to threonine at amino acid 448. This variant is rare in the general population with a frequency below the threshold expected for the associated phenotype(s). This variant has been observed in one or more individuals affected with the associated recessive disease, as either homozygous or compound heterozygous with a second variant (PMID: 24183309, 32371413, 28739201, 38368708). Computational prediction algorithms indicate this variant is likely to affect gene or protein function. Given the available evidence, this variant is classified as Likely Pathogenic.

Blueprint Genetics
Classification: Likely pathogenic for SAMHD1-related disorders. Last evaluated: 2024-11-06. Review status: criteria provided, single submitter. Criteria: ACMG Guidelines, 2015. Collection method: clinical testing. Allele origin: germline. Affected: yes. Observed: 5 variant alleles.

GeneDx
Classification: Pathogenic. Last evaluated: 2024-04-03. Review status: criteria provided, single submitter. Criteria: GeneDx Variant Classification Process June 2021. Collection method: clinical testing. Allele origin: germline. Affected: yes.
Comment: Published functional studies demonstrate a damaging effect in the form of a protein with inability to block HIV-1 infection, reduced oligomerization, and altered cellular localization (PMID: 28229507); In silico analysis supports that this missense variant has a deleterious effect on protein structure/function; This variant is associated with the following publications: (PMID: 30275001, 27943079, 34480199, 32371413, 24183309, 28229507)

Fulgent Genetics
Classification: Likely pathogenic for Aicardi-Goutieres syndrome 5; Chilblain lupus 2. Last evaluated: 2024-03-09. Review status: criteria provided, single submitter. Criteria: ACMG Guidelines, 2015. Collection method: clinical testing. Allele origin: germline.

Women's Health and Genetics/Laboratory Corporation of America, LabCorp
Classification: Likely pathogenic for Aicardi Goutieres syndrome. Last evaluated: 2023-07-25. Review status: criteria provided, single submitter. Criteria: LabCorp Variant Classification Summary - May 2015. Collection method: clinical testing. Allele origin: germline.
Comment: Variant summary: SAMHD1 c.1343T>C (p.Ile448Thr) results in a non-conservative amino acid change in the encoded protein sequence. Four of five in-silico tools predict a damaging effect of the variant on protein function. The variant was absent in 251420 control chromosomes (gnomAD). c.1343T>C has been reported in the literature as a compound heterozygous genotype in at least three individuals affected with Aicardi Goutieres Syndrome, including one case where it was confirmed to be in trans with a pathogenic variant (e.g. Rice_2013, Crow_2015, Rice_2017, Miller_2020). These data indicate that the variant may be associated with disease. At least one publication reports experimental evidence evaluating an impact on protein function and found that the variant results in a loss of the ability to block HIV-1 infection unlike the WT protein, has moderately impaired oligomerization, is unable to decrease dNTP levels, and is found throughout the cell as opposed to being localized within the nucleus, all findings which suggest the variant has a negative impact on protein function (White_2017). The following publications have been ascertained in the context of this evaluation (PMID: 25604658, 32371413, 27943079, 24183309, 28229507). Four submitters have cited clinical-significance assessments for this variant to ClinVar after 2014 and all classified the variant as likely pathogenic. Based on the evidence outlined above, the variant was classified as likely pathogenic.

Revvity Omics, Revvity
Classification: Likely pathogenic. Last evaluated: 2022-04-14. Review status: criteria provided, single submitter. Criteria: ACMG Guidelines, 2015. Collection method: clinical testing. Allele origin: germline.

Institute for Genomic Medicine (IGM) Clinical Laboratory, Nationwide Children's Hospital
Classification: Likely pathogenic for Aicardi-Goutieres syndrome 5. Last evaluated: 2018-09-25. Review status: criteria provided, single submitter. Criteria: ACMG Guidelines, 2015. Collection method: clinical testing. Allele origin: germline. Affected: yes.
Comment: [ACMG/AMP: PM2, PM3, PP3, PP4] This alteration is absent from or rarely observed in large-scale population databases [PM2], is detected in trans with a known pathogenic variant [PM3], is predicted to be damaging by multiple functional prediction tools [PP3], is highly specific to for a disease with a single genetic etiology [PP4].

Literature cited by the submitters: PubMed 24183309 (cited by 3 submitters); PubMed 27943079 (cited by Labcorp Genetics (formerly Invitae), Labcorp and Women's Health and Genetics/Laboratory Corporation of America, LabCorp); PubMed 32371413 (cited by 3 submitters); PubMed 28229507 (cited by Labcorp Genetics (formerly Invitae), Labcorp and Women's Health and Genetics/Laboratory Corporation of America, LabCorp); PubMed 28739201 (cited by Natera, Inc.); PubMed 38368708 (cited by Natera, Inc.); PubMed 25604658 (cited by Women's Health and Genetics/Laboratory Corporation of America, LabCorp).

NM_015474.4(SAMHD1):c.1343T>C (p.Ile448Thr)

Gene: SAMHD1 (SAM and HD domain containing deoxynucleoside triphosphate triphosphohydrolase 1; minus strand). Cytogenetic location: 20q11.23.
Variant type: single nucleotide variant.
Coding change: c.1343T>C on transcript NM_015474.4 (MANE Select); coding-DNA position 1343, T replaced by C.
Protein change: p.Ile448Thr; replaces isoleucine 448 with threonine.
Molecular consequence: missense variant.
Genome position (GRCh38, 1-based): chr20:36,905,431, A>G on the plus strand (T>C on the coding strand, the complement: SAMHD1 is on the minus strand). VCF-style: chr20-36905431-A-G. GRCh37 (hg19) VCF-style: chr20-35533834-A-G.
Other names: c.1343T>C, p.Ile448Thr (NM_001363729.2, NM_001363733.2); short protein forms I448T.
Identifiers: ClinVar variation 546088 (VCV000546088.25), dbSNP rs774964432, ClinGen allele CA314287096.